The following is an entry in ClinVar:

NM_001042492.3(NF1):c.1369C>G (p.His457Asp)

Gene: NF1 (neurofibromin 1; plus strand). Cytogenetic location: 17q11.2.
Variant type: single nucleotide variant.
Coding change: c.1369C>G on transcript NM_001042492.3 (MANE Select); coding-DNA position 1369, C replaced by G.
Protein change: p.His457Asp; replaces histidine 457 with aspartic acid.
Molecular consequence: missense variant.
Genome position (GRCh38, 1-based): chr17:31,206,348, C>G. VCF-style: chr17-31206348-C-G. GRCh37 (hg19) VCF-style: chr17-29533366-C-G.
Other names: c.1369C>G, p.His457Asp (NM_000267.4, NM_001128147.3); short protein forms H457D.
Identifiers: ClinVar variation 1950508 (VCV001950508.5), dbSNP rs757560526, ClinGen allele CA398999775.

ClinVar aggregate classification (germline): Uncertain significance (1 of 4 stars; one submission).

Conditions:
Neurofibromatosis, type 1 (NF1). Also called: NEUROFIBROMATOSIS, TYPE I, SOMATIC; Peripheral type neurofibromatosis; VON RECKLINGHAUSEN DISEASE; Neurofibromatosis, type I. Identifiers: Orphanet 636, MedGen C0027831, MONDO:0018975, OMIM 162200. Disease mechanism: loss of function.

Submission:

Labcorp Genetics (formerly Invitae), Labcorp
Classification: Uncertain significance for Neurofibromatosis, type 1. Last evaluated: 2022-08-23. Review status: criteria provided, single submitter. Criteria: Invitae Variant Classification Sherloc (09022015). Collection method: clinical testing. Allele origin: germline.
Comment: In summary, the available evidence is currently insufficient to determine the role of this variant in disease. Therefore, it has been classified as a Variant of Uncertain Significance. Algorithms developed to predict the effect of missense changes on protein structure and function (SIFT, PolyPhen-2, Align-GVGD) all suggest that this variant is likely to be tolerated. This variant has not been reported in the literature in individuals affected with NF1-related conditions. This variant is not present in population databases (gnomAD no frequency). This sequence change replaces histidine, which is basic and polar, with aspartic acid, which is acidic and polar, at codon 457 of the NF1 protein (p.His457Asp).